The following is an entry in ClinVar:

NM_001244008.2(KIF1A):c.361C>T (p.Gln121Ter)

Gene: KIF1A (kinesin family member 1A; minus strand). Cytogenetic location: 2q37.3.
Variant type: single nucleotide variant.
Coding change: c.361C>T on transcript NM_001244008.2 (MANE Select); coding-DNA position 361, C replaced by T.
Protein change: p.Gln121Ter; replaces glutamine 121 with a stop codon.
Molecular consequence: nonsense.
Genome position (GRCh38, 1-based): chr2:240,788,053, G>A on the plus strand (C>T on the coding strand, the complement: KIF1A is on the minus strand). VCF-style: chr2-240788053-G-A. GRCh37 (hg19) VCF-style: chr2-241727470-G-A.
Other names: c.361C>T, p.Gln121Ter (NM_001320705.2, NM_001330289.2, NM_001330290.2 and 20 more transcripts); short protein forms Q121*.
Identifiers: ClinVar variation 1413300 (VCV001413300.6), dbSNP rs1318848388, ClinGen allele CA351309937.
Genomic context (GRCh38, chr2:240,788,053, plus strand): 5'-CCTCAGCTGGTCCCGCCCCATCTGCCAGGGCTGCCCCCGCCCGCCCCCCGCTTCGTGCCT[G>A]TGGGATGATGCCCTGCTGGTCCTTCTCCTGCTTGCCCATCATGGTGTAGGACTTGCCGGC-3'

ClinVar aggregate classification (germline): Pathogenic (1 of 4 stars; one submission).

Conditions:
Hereditary spastic paraplegia 30. Identifiers: Orphanet 101010, MedGen C5235139, MONDO:0012476.
Neuropathy, hereditary sensory, type 2C. Also called: Hereditary sensory and autonomic neuropathy type IIC; KIF1A-Related HSAN2 (HSAN2C). Identifiers: Orphanet 970, MedGen C3280168, MONDO:0013634, OMIM 614213.
Intellectual disability, autosomal dominant 9 (NESCAVS). Also called: NESCAV SYNDROME; KIF1A-Related Neurodevelopmental Disorder. Identifiers: Orphanet 662367, MedGen C5393830, MONDO:0013656, OMIM 614255.

gnomAD v4.1: 1 of 1,553,026 alleles (0.000064%); highest among the groups gnomAD compares: Non-Finnish European, 0.000087%; no homozygotes.

Submission:

Labcorp Genetics (formerly Invitae), Labcorp
Classification: Pathogenic for Hereditary spastic paraplegia 30; Neuropathy, hereditary sensory, type 2C; Intellectual disability, autosomal dominant 9. Last evaluated: 2024-03-07. Review status: criteria provided, single submitter. Criteria: Invitae Variant Classification Sherloc (09022015). Collection method: clinical testing. Allele origin: germline.
Comment: This sequence change creates a premature translational stop signal (p.Gln121*) in the KIF1A gene. It is expected to result in an absent or disrupted protein product. Loss-of-function variants in KIF1A are known to be pathogenic (PMID: 21820098). This variant is not present in population databases (gnomAD no frequency). This variant has not been reported in the literature in individuals affected with KIF1A-related conditions. ClinVar contains an entry for this variant (Variation ID: 1413300). Algorithms developed to predict the effect of sequence changes on RNA splicing suggest that this variant may disrupt the consensus splice site. For these reasons, this variant has been classified as Pathogenic.

Literature cited by the submitters: PubMed 21820098.